The following is an entry in ClinVar:

NM_014297.5(ETHE1):c.187C>T (p.Gln63Ter)

Gene: ETHE1 (ETHE1 persulfide dioxygenase; minus strand). Cytogenetic location: 19q13.31.
Variant type: single nucleotide variant.
Coding change: c.187C>T on transcript NM_014297.5 (MANE Select); coding-DNA position 187, C replaced by T.
Protein change: p.Gln63Ter; replaces glutamine 63 with a stop codon.
Molecular consequence: nonsense. On other transcripts: 5 prime UTR variant (1), intron variant (1).
Genome position (GRCh38, 1-based): chr19:43,526,554, G>A on the plus strand (C>T on the coding strand, the complement: ETHE1 is on the minus strand). VCF-style: chr19-43526554-G-A. GRCh37 (hg19) VCF-style: chr19-44030706-G-A.
Other names: c.187C>T, p.Gln63Ter (NM_001320867.2); c.-34C>T (NM_001320868.2); c.81+543C>T (NM_001320869.2); c.187C>T (NM_014297.4); short protein forms Q63*.
Identifiers: ClinVar variation 504495 (VCV000504495.51), dbSNP rs368778231, ClinGen allele CA9487934.
Genomic context (GRCh38, chr19:43,526,554, plus strand): 5'-GAGTTTGGTCCCCGGACTGACCAGCATAGAGCAGCCGCAGCCCCAGCTCCTTGATCAGCT[G>A]GGCATCCCGAGGCGCTGTTTCCAGGACTGGGTCGATCAGAACGGCCTCCCGGGACTCTCT-3'

ClinVar aggregate classification (germline): Pathogenic/Likely pathogenic. Review status: criteria provided, multiple submitters, no conflicts (2 of 4 stars). 5 submissions from 5 submitters: Pathogenic (2); Likely pathogenic (2). 1 of the submissions does not count toward it. Last evaluated 2025-11-18.

Conditions:
Ethylmalonic encephalopathy (EE). Also called: EPEMA syndrome; Encephalopathy, petechiae, and ethylmalonic aciduria; Syndrome of encephalopathy, petechiae, and ethylmalonic aciduria. Identifiers: Orphanet 51188, MedGen C1865349, MONDO:0011229, OMIM 602473. Disease mechanism: loss of function.

Allele frequency attached by ClinVar (database versions not stated): TOPMed below 0.00001; gnomAD 0.00001; gnomAD exomes 0.00001 and 0.00002; ExAC 0.00004; ESP Exome Variant Server 0.00008.
gnomAD v4.1: 11 of 1,613,766 alleles (0.00068%); highest among the groups gnomAD compares: African/African-American, 0.0013%; no homozygotes.

Submissions (5):

Natera, Inc.
Classification: Likely pathogenic for Ethylmalonic encephalopathy. Last evaluated: 2025-11-18. Review status: criteria provided, single submitter. Criteria: Natera Variant Classification Schema (03/2026). Collection method: clinical testing. Allele origin: germline.
Comment: The c.187C>T variant in ETHE1 is a nonsense variant predicted to introduce a stop codon at amino acid 63. This variant is expected to result in nonsense mediated decay, truncation, or a dysfunctional protein product. This variant is rare in the general population with a frequency below the threshold expected for the associated phenotype(s). Given the available evidence, this variant is classified as Likely Pathogenic.

Baylor Genetics
Classification: Pathogenic for Ethylmalonic encephalopathy. Last evaluated: 2024-03-08. Review status: criteria provided, single submitter. Criteria: ACMG Guidelines, 2015. Collection method: clinical testing. Allele origin: unknown.

Labcorp Genetics (formerly Invitae), Labcorp
Classification: Pathogenic for Ethylmalonic encephalopathy. Last evaluated: 2023-04-14. Review status: criteria provided, single submitter. Criteria: Invitae Variant Classification Sherloc (09022015). Collection method: clinical testing. Allele origin: germline.
Comment: For these reasons, this variant has been classified as Pathogenic. ClinVar contains an entry for this variant (Variation ID: 504495). This premature translational stop signal has been observed in individual(s) with clinical features of ethylmalonic encephalopathy (PMID: 16183799). This variant is present in population databases (rs368778231, gnomAD 0.004%). This sequence change creates a premature translational stop signal (p.Gln63*) in the ETHE1 gene. It is expected to result in an absent or disrupted protein product. Loss-of-function variants in ETHE1 are known to be pathogenic (PMID: 14732903, 19136963).

Women's Health and Genetics/Laboratory Corporation of America, LabCorp
Classification: Likely pathogenic for Ethylmalonic encephalopathy. Last evaluated: 2023-01-29. Review status: criteria provided, single submitter. Criteria: LabCorp Variant Classification Summary - May 2015. Collection method: clinical testing. Allele origin: germline.
Comment: Variant summary: ETHE1 c.187C>T (p.Gln63X) results in a premature termination codon, predicted to cause a truncation of the encoded protein or absence of the protein due to nonsense mediated decay, which are commonly known mechanisms for disease. Truncations downstream of this position have been classified as pathogenic by our laboratory. The variant allele was found at a frequency of 1.6e-05 in 249958 control chromosomes (gnomAD). c.187C>T has been reported in the literature in at least one compound heterozygous individual affected with Ethylmalonic Encephalopathy (Tiranti_2006). These data do not allow any conclusion about variant significance. To our knowledge, no experimental evidence demonstrating an impact on protein function has been reported. One ClinVar submitter has assessed the variant since 2014: the variant was classified as pathogenic. Based on the evidence outlined above, the variant was classified as likely pathogenic.

GeneReviews
No classification provided. Condition: Ethylmalonic encephalopathy. Review status: no classification provided. Collection method: literature only. Allele origin: germline. Not counted in ClinVar's aggregate classification.

Literature cited by the submitters: PubMed 16183799 (cited by Labcorp Genetics (formerly Invitae), Labcorp and Women's Health and Genetics/Laboratory Corporation of America, LabCorp); PubMed 14732903 (cited by Labcorp Genetics (formerly Invitae), Labcorp); PubMed 19136963 (cited by Labcorp Genetics (formerly Invitae), Labcorp); NCBI Bookshelf NBK453432 (cited by GeneReviews); PubMed 28933811 (cited by GeneReviews).